The following is an entry in ClinVar:

ClinVar aggregate classification (germline): Uncertain significance. Review status: criteria provided, multiple submitters, no conflicts (2 of 4 stars). 2 submissions from 2 submitters: Uncertain significance (2). Last evaluated 2025-12-30.

Conditions:
Familial X-linked hypophosphatemic vitamin D refractory rickets (XLHRD). Also called: X-Linked Hypophosphatemia; Hypophosphatemia, vitamin D-resistant rickets; Vitamin D-resistant rickets, X-linked; Hypophosphatemic Rickets, X-Linked Dominant; HYPOPHOSPHATEMIC VITAMIN D-RESISTANT RICKETS. Identifiers: Orphanet 89936, MedGen C0733682, MONDO:0010619, OMIM 307800.

gnomAD v4.1: 11 of 1,204,176 alleles (0.00091%); highest among the groups gnomAD compares: African/African-American, 0.0017%; no homozygotes.

Submissions (2):

Labcorp Genetics (formerly Invitae), Labcorp
Classification: Uncertain significance. Last evaluated: 2025-12-30. Review status: criteria provided, single submitter. Criteria: Invitae Variant Classification Sherloc (09022015). Collection method: clinical testing. Allele origin: germline.
Comment: This sequence change replaces arginine, which is basic and polar, with histidine, which is basic and polar, at codon 510 of the PHEX protein (p.Arg510His). This variant is not present in population databases (gnomAD no frequency). This variant has not been reported in the literature in individuals affected with PHEX-related conditions. ClinVar contains an entry for this variant (Variation ID: 3598237). Invitae Evidence Modeling of protein sequence and biophysical properties (such as structural, functional, and spatial information, amino acid conservation, physicochemical variation, residue mobility, and thermodynamic stability) has been performed for this missense variant. However, the output from this modeling did not meet the statistical confidence thresholds required to predict the impact of this variant on PHEX protein function. This variant disrupts the p.Arg510 amino acid residue in PHEX. Other variant(s) that disrupt this residue have been determined to be pathogenic (PMID: 14564077, 21902834; internal data). This suggests that this residue is clinically significant, and that variants that disrupt this residue are likely to be disease-causing. In summary, the available evidence is currently insufficient to determine the role of this variant in disease. Therefore, it has been classified as a Variant of Uncertain Significance.

Fulgent Genetics
Classification: Uncertain significance for Familial X-linked hypophosphatemic vitamin D refractory rickets. Last evaluated: 2024-06-17. Review status: criteria provided, single submitter. Criteria: ACMG Guidelines, 2015. Collection method: clinical testing. Allele origin: germline.

Literature cited by the submitters: PubMed 14564077 (cited by Labcorp Genetics (formerly Invitae), Labcorp); PubMed 21902834 (cited by Labcorp Genetics (formerly Invitae), Labcorp).

NM_000444.6(PHEX):c.1529G>A (p.Arg510His)

Gene: PHEX (phosphate regulating endopeptidase X-linked; plus strand). Cytogenetic location: Xp22.11.
Variant type: single nucleotide variant.
Coding change: c.1529G>A on transcript NM_000444.6 (MANE Select); coding-DNA position 1529, G replaced by A.
Protein change: p.Arg510His; replaces arginine 510 with histidine.
Molecular consequence: missense variant.
Genome position (GRCh38, 1-based): chrX:22,178,319, G>A. VCF-style: chrX-22178319-G-A. GRCh37 (hg19) VCF-style: chrX-22196436-G-A.
Other names: c.1529G>A, p.Arg510His (NM_001282754.2); short protein forms R510H.
Identifiers: ClinVar variation 3598237 (VCV003598237.2).